The following is an entry in ClinVar:

ClinVar aggregate classification (germline): Uncertain significance. Review status: criteria provided, multiple submitters, no conflicts (2 of 4 stars). 5 submissions from 5 submitters: Uncertain significance (5). Last evaluated 2024-03-11.

Conditions:
Senior-Loken syndrome 9 (SLSN9). Identifiers: Orphanet 3156, MedGen C4225263, MONDO:0014712, OMIM 616629.
Inborn genetic diseases. Identifiers: MedGen C0950123, MeSH D030342.

Allele frequency attached by ClinVar (database versions not stated): TOPMed 0.00004; gnomAD 0.00006 and 0.00009; gnomAD exomes 0.00006 and 0.00013; ExAC 0.00018; 1000 Genomes Project 0.00020; 1000 Genomes Project 30x 0.00031.
gnomAD v4.1: 94 of 1,531,570 alleles (0.0061%); highest among the groups gnomAD compares: Middle Eastern, 0.19%; 1 homozygote.

Submissions (5):

Blueprint Genetics
Classification: Uncertain significance. Last evaluated: 2024-03-11. Review status: criteria provided, single submitter. Criteria: ACMG Guidelines, 2015. Collection method: clinical testing. Allele origin: germline.

Baylor Genetics
Classification: Uncertain significance for Senior-Loken syndrome 9. Last evaluated: 2023-02-02. Review status: criteria provided, single submitter. Criteria: ACMG Guidelines, 2015. Collection method: clinical testing. Allele origin: unknown.

Ambry Genetics
Classification: Uncertain significance for Inborn genetic diseases. Last evaluated: 2022-12-20. Review status: criteria provided, single submitter. Criteria: Ambry Variant Classification Scheme 2023. Collection method: clinical testing. Allele origin: germline.

Labcorp Genetics (formerly Invitae), Labcorp
Classification: Uncertain significance. Last evaluated: 2022-07-06. Review status: criteria provided, single submitter. Criteria: Invitae Variant Classification Sherloc (09022015). Collection method: clinical testing. Allele origin: germline.
Comment: This sequence change replaces glycine, which is neutral and non-polar, with glutamic acid, which is acidic and polar, at codon 355 of the TRAF3IP1 protein (p.Gly355Glu). This variant is present in population databases (rs560016209, gnomAD 0.08%). This variant has not been reported in the literature in individuals affected with TRAF3IP1-related conditions. ClinVar contains an entry for this variant (Variation ID: 1523605). Algorithms developed to predict the effect of missense changes on protein structure and function are either unavailable or do not agree on the potential impact of this missense change (SIFT: "Tolerated"; PolyPhen-2: "Probably Damaging"; Align-GVGD: "Class C0"). Algorithms developed to predict the effect of sequence changes on RNA splicing suggest that this variant may disrupt the consensus splice site. In summary, the available evidence is currently insufficient to determine the role of this variant in disease. Therefore, it has been classified as a Variant of Uncertain Significance.

Breakthrough Genomics
Classification: Uncertain significance. Review status: criteria provided, single submitter. Criteria: ACMG Guidelines, 2015. Collection method: not provided. Allele origin: germline. Inheritance: Autosomal recessive inheritance. Affected: yes.

NM_015650.4(IFT54):c.1064G>A (p.Gly355Glu)

Gene: IFT54 (intraflagellar transport 54; plus strand). Cytogenetic location: 2q37.3.
Variant type: single nucleotide variant.
Coding change: c.1064G>A on transcript NM_015650.4 (MANE Select); coding-DNA position 1064, G replaced by A.
Protein change: p.Gly355Glu; replaces glycine 355 with glutamic acid.
Molecular consequence: missense variant. On other transcripts: intron variant (1).
Genome position (GRCh38, 1-based): chr2:238,338,362, G>A. VCF-style: chr2-238338362-G-A. GRCh37 (hg19) VCF-style: chr2-239247003-G-A.
Other names: c.1063+4327G>A (NM_001139490.1); c.1064G>A (NM_015650.3); short protein forms G355E.
Identifiers: ClinVar variation 1523605 (VCV001523605.6), dbSNP rs560016209, ClinGen allele CA2198275.